The following is an entry in ClinVar:

ClinVar aggregate classification (germline): Uncertain significance (1 of 4 stars; one submission).

gnomAD v4.1: 2 of 1,609,598 alleles (0.00012%); highest among the groups gnomAD compares: South Asian, 0.0011%; no homozygotes.

Submission:

GeneDx
Classification: Uncertain significance. Last evaluated: 2017-02-24. Review status: criteria provided, single submitter. Criteria: GeneDx Variant Classification (06012015). Collection method: clinical testing. Allele origin: germline. Affected: yes.
Comment: The N31D variant in the RBFOX1 gene has not been reported previously as a pathogenic variant, nor as a benign variant, to our knowledge. The N31D variant is not observed in large population cohorts (Lek et al., 2016; 1000 Genomes Consortium et al., 2015; Exome Variant Server). The N31D variant is a semi-conservative amino acid substitution, which may impact secondary protein structure as these residues differ in some properties. This substitution occurs at a position that is conserved across species. In silico analysis predicts this variant is probably damaging to the protein structure/function. We interpret N31D as a variant of uncertain significance

NM_018723.4(RBFOX1):c.31A>G (p.Asn11Asp)

Gene: RBFOX1 (RNA binding fox-1 homolog 1; plus strand). Cytogenetic location: 16p13.3.
Variant type: single nucleotide variant.
Coding change: c.31A>G on transcript NM_018723.4 (MANE Select); coding-DNA position 31, A replaced by G.
Protein change: p.Asn11Asp; replaces asparagine 11 with aspartic acid.
Molecular consequence: missense variant.
Genome position (GRCh38, 1-based): chr16:7,518,150, A>G. VCF-style: chr16-7518150-A-G. GRCh37 (hg19) VCF-style: chr16-7568152-A-G.
Other names: c.31A>G, p.Asn11Asp (NM_001142333.2, NM_001142334.2, NM_001364800.2); c.160A>G, p.Asn54Asp (NM_001308117.1); c.91A>G, p.Asn31Asp (NM_145891.3, NM_145892.3, NM_145893.3); short protein forms N11D, N31D, N54D.
Identifiers: ClinVar variation 423873 (VCV000423873.2), dbSNP rs762461044, ClinGen allele CA16620270.
Genomic context (GRCh38, chr16:7,518,150, plus strand): 5'-CTGCATGGTGGCTCCTCATGACGTTCTCTCCCTCTCTGCACCTTTTTGATTTTTCAGGGT[A>G]ATCAGGAAGCAGCCGCTGCCCCTGACACAATGGCTCAGCCTTACGCTTCGGCCCAGTTTG-3'
Protein context (NP_061193.2, residues 1-21): MNCEREQLRG[Asn11Asp]QEAAAAPDTM